The following is an entry in ClinVar:

ClinVar aggregate classification (germline): Uncertain significance (1 of 4 stars; one submission).

Conditions:
Inborn genetic diseases. Identifiers: MedGen C0950123, MeSH D030342.

Submission:

Ambry Genetics
Classification: Uncertain significance for Inborn genetic diseases. Last evaluated: 2025-02-24. Review status: criteria provided, single submitter. Criteria: Ambry Variant Classification Scheme 2023. Collection method: clinical testing. Allele origin: germline.
Comment: The p.L1250P variant (also known as c.3749T>C), located in coding exon 1 of the SAMD9 gene, results from a T to C substitution at nucleotide position 3749. The leucine at codon 1250 is replaced by proline, an amino acid with similar properties. This amino acid position is conserved. In addition, the in silico prediction for this alteration is inconclusive. Based on the available evidence, the clinical significance of this variant remains unclear.

NM_017654.4(SAMD9):c.3749T>C (p.Leu1250Pro)

Gene: SAMD9 (sterile alpha motif domain containing 9; minus strand). Cytogenetic location: 7q21.2.
Variant type: single nucleotide variant.
Coding change: c.3749T>C on transcript NM_017654.4 (MANE Select); coding-DNA position 3749, T replaced by C.
Protein change: p.Leu1250Pro; replaces leucine 1250 with proline.
Molecular consequence: missense variant.
Genome position (GRCh38, 1-based): chr7:93,102,349, A>G on the plus strand (T>C on the coding strand, the complement: SAMD9 is on the minus strand). VCF-style: chr7-93102349-A-G. GRCh37 (hg19) VCF-style: chr7-92731662-A-G.
Other names: c.3749T>C, p.Leu1250Pro (NM_001193307.2); short protein forms L1250P.
Identifiers: ClinVar variation 3792123 (VCV003792123.1).
Genomic context (GRCh38, chr7:93,102,349, plus strand): 5'-AAATCAAAGGACTTTTTCAAAGAAAATTTCAATTTAGTTAAATAAGGAATATAGTTTTTG[A>G]GGGCTAATTTATATTCATTGTTTGGATCCCCTGGAATATCACTACTTCCTGATACAAAAT-3'
Protein context (NP_060124.2, residues 1240-1260): GDPNNEYKLA[Leu1250Pro]KNYIPYLTKL